The following is an entry in ClinVar:

NM_001563.4(IMPG1):c.568G>A (p.Ala190Thr)

Gene: IMPG1 (interphotoreceptor matrix proteoglycan 1; minus strand). Cytogenetic location: 6q14.1.
Variant type: single nucleotide variant.
Coding change: c.568G>A on transcript NM_001563.4 (MANE Select); coding-DNA position 568, G replaced by A.
Protein change: p.Ala190Thr; replaces alanine 190 with threonine.
Molecular consequence: missense variant.
Genome position (GRCh38, 1-based): chr6:76,022,214, C>T on the plus strand (G>A on the coding strand, the complement: IMPG1 is on the minus strand). VCF-style: chr6-76022214-C-T. GRCh37 (hg19) VCF-style: chr6-76731931-C-T.
Other names: c.334G>A, p.Ala112Thr (NM_001282368.2); short protein forms A112T, A190T.
Identifiers: ClinVar variation 1002470 (VCV001002470.9), dbSNP rs1783444715, ClinGen allele CA364779402.

ClinVar aggregate classification (germline): Uncertain significance (1 of 4 stars; one submission).

Allele frequency attached by ClinVar (database versions not stated): gnomAD exomes below 0.00001.
gnomAD v4.1: 2 of 1,575,260 alleles (0.00013%); highest among the groups gnomAD compares: Non-Finnish European, 0.000087%; no homozygotes.

Submission:

Labcorp Genetics (formerly Invitae), Labcorp
Classification: Uncertain significance. Last evaluated: 2024-07-29. Review status: criteria provided, single submitter. Criteria: Invitae Variant Classification Sherloc (09022015). Collection method: clinical testing. Allele origin: germline.
Comment: This sequence change replaces alanine, which is neutral and non-polar, with threonine, which is neutral and polar, at codon 190 of the IMPG1 protein (p.Ala190Thr). This variant is not present in population databases (gnomAD no frequency). This variant has not been reported in the literature in individuals affected with IMPG1-related conditions. ClinVar contains an entry for this variant (Variation ID: 1002470). An algorithm developed to predict the effect of missense changes on protein structure and function outputs the following: PolyPhen-2: "Benign". The threonine amino acid residue is found in multiple mammalian species, which suggests that this missense change does not adversely affect protein function. In summary, the available evidence is currently insufficient to determine the role of this variant in disease. Therefore, it has been classified as a Variant of Uncertain Significance.